The following is an entry in ClinVar:

ClinVar aggregate classification (germline): Uncertain significance (1 of 4 stars; one submission).

Conditions:
Alstrom syndrome (ALMS). Identifiers: Orphanet 64, MedGen C0268425, MONDO:0008763, OMIM 203800.

Allele frequency attached by ClinVar (database versions not stated): gnomAD exomes below 0.00001.
gnomAD v4.1: 1 of 1,614,060 alleles (0.000062%); highest among the groups gnomAD compares: Admixed American, 0.0017%; no homozygotes.

Submission:

Labcorp Genetics (formerly Invitae), Labcorp
Classification: Uncertain significance for Alstrom syndrome. Last evaluated: 2022-01-15. Review status: criteria provided, single submitter. Criteria: Invitae Variant Classification Sherloc (09022015). Collection method: clinical testing. Allele origin: germline.
Comment: This variant is present in population databases (no rsID available, gnomAD no frequency). This variant has not been reported in the literature in individuals affected with ALMS1-related conditions. Experimental studies and prediction algorithms are not available or were not evaluated, and the functional significance of this variant is currently unknown. In summary, the available evidence is currently insufficient to determine the role of this variant in disease. Therefore, it has been classified as a Variant of Uncertain Significance. This sequence change replaces valine, which is neutral and non-polar, with alanine, which is neutral and non-polar, at codon 3906 of the ALMS1 protein (p.Val3906Ala).

NM_001378454.1(ALMS1):c.11714T>C (p.Val3905Ala)

Gene: ALMS1 (ALMS1 centrosome and basal body associated protein; plus strand). Cytogenetic location: 2p13.1.
Variant type: single nucleotide variant.
Coding change: c.11714T>C on transcript NM_001378454.1 (MANE Select); coding-DNA position 11714, T replaced by C.
Protein change: p.Val3905Ala; replaces valine 3905 with alanine.
Molecular consequence: missense variant.
Genome position (GRCh38, 1-based): chr2:73,600,723, T>C. VCF-style: chr2-73600723-T-C. GRCh37 (hg19) VCF-style: chr2-73827850-T-C.
Other names: c.11717T>C, p.Val3906Ala (NM_015120.4); short protein forms V3905A, V3906A.
Identifiers: ClinVar variation 2083036 (VCV002083036.4), dbSNP rs1480019069, ClinGen allele CA347264264.
Genomic context (GRCh38, chr2:73,600,723, plus strand): 5'-GATCCTTCCCCTCAGGTAACTTGGAGATTGTGAACGGTGCCAAAAAACACACTCGAGATG[T>C]TGGGATAACTTTCCCAACTCCAAGTTCCAGCGAGGCTAAATTGGAAGAGAACAGTGATGT-3'
Protein context (NP_001365383.1, residues 3895-3915): VNGAKKHTRD[Val3905Ala]GITFPTPSSS